The following is an entry in ClinVar:

NM_000202.8(IDS):c.1466del (p.Gly489fs)

Gene: IDS (iduronate 2-sulfatase; minus strand). Cytogenetic location: Xq28.
Variant type: Deletion.
Coding change: c.1466del on transcript NM_000202.8 (MANE Select); coding-DNA position 1466, one base deleted (G; older notation c.1466delG).
Protein change: p.Gly489fs; shifts the reading frame from glycine 489.
Molecular consequence: frameshift variant.
Genome position (GRCh38, 1-based): chrX:149,482,933, C deleted on the plus strand (G on the coding strand, the reverse complement: IDS is on the minus strand); the first of 3 consecutive C bases (chrX:149,482,933-149,482,935); deleting any one gives the same sequence. VCF-style (leftmost placement, unchanged base first): chrX-149482932-GC-G. GRCh37 (hg19) VCF-style: chrX-148564463-GC-G.
Other names: c.1196del, p.Gly399fs (NM_001166550.4); short protein forms G399fs, G489fs.
Identifiers: ClinVar variation 997043 (VCV000997043.3), dbSNP rs2123994190, ClinGen allele CA2499226407.

ClinVar aggregate classification (germline): Pathogenic. Review status: criteria provided, multiple submitters, no conflicts (2 of 4 stars). 2 submissions from 2 submitters: Pathogenic (2). Last evaluated 2024-06-07.

Conditions:
Mucopolysaccharidosis, MPS-II (MPS2). Also called: Mucopolysaccharidosis type 2; Hunter Syndrome; IDURONATE 2-SULFATASE DEFICIENCY; Mucopolysaccharidosis Type II; IDS deficiency; Sulfoiduronate sulfatase deficiency. Identifiers: Orphanet 580, Orphanet 79388, MedGen C0026705, MONDO:0010674, OMIM 309900.

Submissions (2):

Laboratory of Diagnosis and Therapy of Lysosomal Disorders, University of Padova
Classification: Pathogenic for Mucopolysaccharidosis, MPS-II. Last evaluated: 2024-06-07. Review status: criteria provided, single submitter. Criteria: ACMG Guidelines, 2015. Collection method: literature only. Allele origin: germline. Affected: yes. Observed: 3 variant alleles.
Comment: Null variant (PVS1_Strong), Absent from controls (or at low frequency) in gnomAD database (PM2_Moderate), Patient’s phenotype or family history highly specific for the disease (PP4_Strong)

Classification method: ACMG Guidelines [PMID:25741868] with modifications

Department of Medical Genetics, Sanjay Gandhi Post Graduate Institute of Medical Sciences
Classification: Pathogenic for Mucopolysaccharidosis, MPS-II. Review status: criteria provided, single submitter. Criteria: ACMG Guidelines, 2015. Collection method: clinical testing. Allele origin: germline. Inheritance: X-linked recessive inheritance. Affected: yes. Observed: 1 variant allele, 1 hemizygote.

Literature cited by the submitters: PubMed 35144014 (cited by Laboratory of Diagnosis and Therapy of Lysosomal Disorders, University of Padova); PubMed 24780617 (cited by Laboratory of Diagnosis and Therapy of Lysosomal Disorders, University of Padova); PubMed 33676511 (cited by Laboratory of Diagnosis and Therapy of Lysosomal Disorders, University of Padova).